The following is an entry in ClinVar:

NM_017763.6(RNF43):c.314G>A (p.Ser105Asn)

Gene: RNF43 (ring finger protein 43; minus strand). Cytogenetic location: 17q22.
Variant type: single nucleotide variant.
Coding change: c.314G>A on transcript NM_017763.6 (MANE Select); coding-DNA position 314, G replaced by A.
Protein change: p.Ser105Asn; replaces serine 105 with asparagine.
Molecular consequence: missense variant.
Genome position (GRCh38, 1-based): chr17:58,370,972, C>T on the plus strand (G>A on the coding strand, the complement: RNF43 is on the minus strand). VCF-style: chr17-58370972-C-T. GRCh37 (hg19) VCF-style: chr17-56448333-C-T.
Other names: c.314G>A, p.Ser105Asn (NM_001305544.3); c.-68G>A (NM_001305545.2); short protein forms S105N.
Identifiers: ClinVar variation 2859365 (VCV002859365.3), dbSNP rs2143515139, ClinGen allele CA400343699.

ClinVar aggregate classification (germline): Uncertain significance (1 of 4 stars; one submission).

Submission:

Labcorp Genetics (formerly Invitae), Labcorp
Classification: Uncertain significance. Last evaluated: 2023-04-26. Review status: criteria provided, single submitter. Criteria: Invitae Variant Classification Sherloc (09022015). Collection method: clinical testing. Allele origin: germline.
Comment: In summary, the available evidence is currently insufficient to determine the role of this variant in disease. Therefore, it has been classified as a Variant of Uncertain Significance. An algorithm developed to predict the effect of missense changes on protein structure and function (PolyPhen-2) suggests that this variant is likely to be disruptive. This variant has not been reported in the literature in individuals affected with RNF43-related conditions. This variant is not present in population databases (gnomAD no frequency). This sequence change replaces serine, which is neutral and polar, with asparagine, which is neutral and polar, at codon 105 of the RNF43 protein (p.Ser105Asn).